The following is an entry in ClinVar:

ClinVar aggregate classification (germline): Uncertain significance (1 of 4 stars; one submission).

Allele frequency attached by ClinVar (database versions not stated): gnomAD exomes below 0.00001.
gnomAD v4.1: 4 of 1,614,130 alleles (0.00025%); highest among the groups gnomAD compares: African/African-American, 0.0027%; no homozygotes.

Submission:

Labcorp Genetics (formerly Invitae), Labcorp
Classification: Uncertain significance. Last evaluated: 2021-08-05. Review status: criteria provided, single submitter. Criteria: Invitae Variant Classification Sherloc (09022015). Collection method: clinical testing. Allele origin: germline.
Comment: This sequence change replaces alanine with threonine at codon 184 of the SORL1 protein (p.Ala184Thr). The alanine residue is moderately conserved and there is a small physicochemical difference between alanine and threonine. In summary, the available evidence is currently insufficient to determine the role of this variant in disease. Therefore, it has been classified as a Variant of Uncertain Significance. Algorithms developed to predict the effect of missense changes on protein structure and function (SIFT, PolyPhen-2, Align-GVGD) all suggest that this variant is likely to be tolerated. This variant has not been reported in the literature in individuals affected with SORL1-related conditions. This variant is not present in population databases (ExAC no frequency).

NM_003105.6(SORL1):c.550G>A (p.Ala184Thr)

Gene: SORL1 (sortilin related receptor 1; plus strand). Cytogenetic location: 11q24.1.
Variant type: single nucleotide variant.
Coding change: c.550G>A on transcript NM_003105.6 (MANE Select); coding-DNA position 550, G replaced by A.
Protein change: p.Ala184Thr; replaces alanine 184 with threonine.
Molecular consequence: missense variant.
Genome position (GRCh38, 1-based): chr11:121,488,053, G>A. VCF-style: chr11-121488053-G-A. GRCh37 (hg19) VCF-style: chr11-121358762-G-A.
Other names: short protein forms A184T.
Identifiers: ClinVar variation 1375169 (VCV001375169.6), dbSNP rs2134811058, ClinGen allele CA383285645.
Genomic context (GRCh38, chr11:121,488,053, plus strand): 5'-GACAGGGCCTGCTCTCAACTTACCTGTTTTCCCTTGCAGTACATCTTTGCAGACGCTTAT[G>A]CCCAGTACCTCTGGATCACGTTTGACTTCTGCAACACTCTTCAAGGCTTTTCCATCCCAT-3'
Protein context (NP_003096.2, residues 174-194): NKRYIFADAY[Ala184Thr]QYLWITFDFC